The following is an entry in ClinVar:

ClinVar aggregate classification (germline): Benign/Likely benign. Review status: criteria provided, multiple submitters, no conflicts (2 of 4 stars). 5 submissions from 5 submitters: Benign (4); Likely benign (1). Last evaluated 2026-01-24.

Conditions:
Short-rib thoracic dysplasia 10 with or without polydactyly (SRTD10). Identifiers: Orphanet 474, MedGen C3810175, MONDO:0014284, OMIM 615630.
Retinitis pigmentosa 71 (RP71). Identifiers: Orphanet 791, MedGen C4225342, MONDO:0014618, OMIM 616394.

Allele frequency attached by ClinVar (database versions not stated): gnomAD 0.00490 and 0.00521; TOPMed 0.00547; ESP Exome Variant Server 0.00577; 1000 Genomes Project 0.00739; 1000 Genomes Project 30x 0.00828.
gnomAD v4.1: 1,390 of 1,376,870 alleles (0.1%); highest among the groups gnomAD compares: African/African-American, 1.7%; 13 homozygotes.

Submissions (5):

Labcorp Genetics (formerly Invitae), Labcorp
Classification: Benign for Retinitis pigmentosa 71; Short-rib thoracic dysplasia 10 with or without polydactyly. Last evaluated: 2026-01-24. Review status: criteria provided, single submitter. Criteria: Invitae Variant Classification Sherloc (09022015). Collection method: clinical testing. Allele origin: germline.

Blueprint Genetics
Classification: Likely benign. Last evaluated: 2024-11-05. Review status: criteria provided, single submitter. Criteria: ACMG Guidelines, 2015. Collection method: clinical testing. Allele origin: germline.

Mayo Clinic Laboratories, Mayo Clinic
Classification: Benign. Last evaluated: 2023-04-04. Review status: criteria provided, single submitter. Criteria: ACMG Guidelines, 2015. Collection method: clinical testing. Allele origin: germline. Observed: 2 variant alleles.
Comment: BS1, BS2, BP4

Genetic Services Laboratory, University of Chicago
Classification: Benign. Last evaluated: 2017-12-21. Review status: criteria provided, single submitter. Criteria: ACMG Guidelines, 2015. Collection method: clinical testing. Allele origin: germline. Affected: no.

GeneDx
Classification: Benign. Last evaluated: 2016-03-14. Review status: criteria provided, single submitter. Criteria: GeneDx Variant Classification (06012015). Collection method: clinical testing. Allele origin: germline. Affected: yes.
Comment: This variant is considered likely benign or benign based on one or more of the following criteria: it is a conservative change, it occurs at a poorly conserved position in the protein, it is predicted to be benign by multiple in silico algorithms, and/or has population frequency not consistent with disease.

NM_015662.3(IFT172):c.4428+5C>G

Gene: IFT172 (intraflagellar transport 172; minus strand). Cytogenetic location: 2p23.3.
Variant type: single nucleotide variant.
Coding change: c.4428+5C>G on transcript NM_015662.3 (MANE Select); 5 bases into the intron after coding-DNA position 4428, C replaced by G.
Molecular consequence: intron variant.
Genome position (GRCh38, 1-based): chr2:27,448,910, G>C on the plus strand (C>G on the coding strand, the complement: IFT172 is on the minus strand). VCF-style: chr2-27448910-G-C. GRCh37 (hg19) VCF-style: chr2-27671777-G-C.
Identifiers: ClinVar variation 380460 (VCV000380460.17), dbSNP rs114235369, ClinGen allele CA1579617.